The following is an entry in ClinVar:

NM_014874.4(MFN2):c.1391A>T (p.Asn464Ile)

Gene: MFN2 (mitofusin 2; plus strand). Cytogenetic location: 1p36.22.
Variant type: single nucleotide variant.
Coding change: c.1391A>T on transcript NM_014874.4 (MANE Select); coding-DNA position 1391, A replaced by T.
Protein change: p.Asn464Ile; replaces asparagine 464 with isoleucine.
Molecular consequence: missense variant.
Genome position (GRCh38, 1-based): chr1:12,004,612, A>T. VCF-style: chr1-12004612-A-T. GRCh37 (hg19) VCF-style: chr1-12064669-A-T.
Other names: c.1391A>T, p.Asn464Ile (NM_001127660.2); short protein forms N464I.
Identifiers: ClinVar variation 2638245 (VCV002638245.27), dbSNP rs2523077743, ClinGen allele CA338446491.
Genomic context (GRCh38, chr1:12,004,612, plus strand): 5'-TGGTGGACGATTACCAGATGGACTTCCACCCTTCTCCAGTAGTCCTCAAGGTTTATAAGA[A>T]TGTGAGTCATGGAGCAACAGGTCCTCTTGGCAGGAGGCCCCCAAAAGTGATTCAACCCCT-3'
Protein context (NP_055689.1, residues 454-474): PSPVVLKVYK[Asn464Ile]ELHRHIEEGL

ClinVar aggregate classification (germline): Uncertain significance. Review status: criteria provided, multiple submitters, no conflicts (2 of 4 stars). 3 submissions from 3 submitters: Uncertain significance (3). Last evaluated 2024-11-03.

Conditions:
Charcot-Marie-Tooth disease type 2. Also called: Charcot-Marie-Tooth type 2. Identifiers: Orphanet 64746, MedGen C0270914, MONDO:0018993.

Submissions (3):

Labcorp Genetics (formerly Invitae), Labcorp
Classification: Uncertain significance for Charcot-Marie-Tooth disease type 2. Last evaluated: 2024-11-03. Review status: criteria provided, single submitter. Criteria: Invitae Variant Classification Sherloc (09022015). Collection method: clinical testing. Allele origin: germline.
Comment: This sequence change replaces asparagine, which is neutral and polar, with isoleucine, which is neutral and non-polar, at codon 464 of the MFN2 protein (p.Asn464Ile). This variant is not present in population databases (gnomAD no frequency). This variant has not been reported in the literature in individuals affected with MFN2-related conditions. ClinVar contains an entry for this variant (Variation ID: 2638245). Invitae Evidence Modeling of protein sequence and biophysical properties (such as structural, functional, and spatial information, amino acid conservation, physicochemical variation, residue mobility, and thermodynamic stability) has been performed for this missense variant. However, the output from this modeling did not meet the statistical confidence thresholds required to predict the impact of this variant on MFN2 protein function. Algorithms developed to predict the effect of sequence changes on RNA splicing suggest that this variant may disrupt the consensus splice site. In summary, the available evidence is currently insufficient to determine the role of this variant in disease. Therefore, it has been classified as a Variant of Uncertain Significance.

CeGaT Center for Human Genetics Tuebingen
Classification: Uncertain significance. Last evaluated: 2023-01-01. Review status: criteria provided, single submitter. Criteria: CeGaT Center For Human Genetics Tuebingen Variant Classification Criteria Version 2. Collection method: clinical testing. Allele origin: germline. Affected: yes. Observed: 1 variant allele.
Comment: MFN2: PM2

Blueprint Genetics
Classification: Uncertain significance. Last evaluated: 2017-12-11. Review status: criteria provided, single submitter. Criteria: ACMG Guidelines, 2015. Collection method: clinical testing. Allele origin: germline.